The following is an entry in ClinVar:

NM_005157.6(ABL1):c.2143C>T (p.Arg715Cys)

Gene: ABL1 (ABL proto-oncogene 1, non-receptor tyrosine kinase; plus strand). Cytogenetic location: 9q34.12.
Variant type: single nucleotide variant.
Coding change: c.2143C>T on transcript NM_005157.6 (MANE Select); coding-DNA position 2143, C replaced by T.
Protein change: p.Arg715Cys; replaces arginine 715 with cysteine.
Molecular consequence: missense variant.
Genome position (GRCh38, 1-based): chr9:130,884,433, C>T. VCF-style: chr9-130884433-C-T. GRCh37 (hg19) VCF-style: chr9-133759820-C-T.
Other names: c.2200C>T, p.Arg734Cys (NM_007313.3); short protein forms R715C, R734C.
Identifiers: ClinVar variation 133437 (VCV000133437.8), dbSNP rs587778014, ClinGen allele CA156521.

ClinVar aggregate classification (germline): Likely benign. Review status: criteria provided, single submitter (1 of 4 stars). 2 submissions from 2 submitters: Likely benign (1). 1 of the submissions does not count toward it. Last evaluated 2025-12-19.

Allele frequency attached by ClinVar (database versions not stated): gnomAD exomes below 0.00001; ExAC 0.00001; TOPMed 0.00002; gnomAD 0.00003.
gnomAD v4.1: 7 of 1,612,234 alleles (0.00043%); highest among the groups gnomAD compares: Admixed American, 0.0017%; no homozygotes.

Submissions (2):

Labcorp Genetics (formerly Invitae), Labcorp
Classification: Likely benign. Last evaluated: 2025-12-19. Review status: criteria provided, single submitter. Criteria: Invitae Variant Classification Sherloc (09022015). Collection method: clinical testing. Allele origin: germline.

ITMI
No classification provided. Condition: AllHighlyPenetrant. Last evaluated: 2013-09-19. Review status: no classification provided. Collection method: reference population. Allele origin: germline. Not counted in ClinVar's aggregate classification.
Comment: Please see associated publication for description of ethnicities

Literature cited by the submitters: PubMed 24728327 (cited by ITMI).